The following is an entry in ClinVar:

NM_000383.4(AIRE):c.946C>T (p.Arg316Trp)

Gene: AIRE (autoimmune regulator; plus strand). Cytogenetic location: 21q22.3.
Variant type: single nucleotide variant.
Coding change: c.946C>T on transcript NM_000383.4 (MANE Select); coding-DNA position 946, C replaced by T.
Protein change: p.Arg316Trp; replaces arginine 316 with tryptophan.
Molecular consequence: missense variant.
Genome position (GRCh38, 1-based): chr21:44,291,161, C>T. VCF-style: chr21-44291161-C-T. GRCh37 (hg19) VCF-style: chr21-45711044-C-T.
Other names: short protein forms R316W.
Identifiers: ClinVar variation 2173395 (VCV002173395.5), dbSNP rs139874934, ClinGen allele CA10051861.

ClinVar aggregate classification (germline): Uncertain significance. Review status: criteria provided, multiple submitters, no conflicts (2 of 4 stars). 2 submissions from 2 submitters: Uncertain significance (2). Last evaluated 2026-01-30.

Conditions:
Polyglandular autoimmune syndrome, type 1 (APS1). Also called: AUTOIMMUNE POLYENDOCRINE SYNDROME, TYPE I, WITH OR WITHOUT REVERSIBLE METAPHYSEAL DYSPLASIA; APS I; HYPOADRENOCORTICISM WITH HYPOPARATHYROIDISM AND SUPERFICIAL MONILIASIS; PGA I; Autoimmune polyendocrine syndrome type 1; Whitaker syndrome. Identifiers: Orphanet 3453, MedGen C0085859, MONDO:0009411, OMIM 240300.

Allele frequency attached by ClinVar (database versions not stated): TOPMed 0.00003; ESP Exome Variant Server 0.00015.

Submissions (2):

Dasa
Classification: Uncertain significance. Last evaluated: 2026-01-30. Review status: criteria provided, single submitter. Criteria: DASA Assertion Criteria. Collection method: clinical testing. Allele origin: germline.
Comment: NM_000383.4(AIRE):c.946C>T (p.Arg316Trp) is a missense variant that results in the substitution of arginine with tryptophan. This variant is rare in population databases. Computational prediction algorithms are consistent with a deleterious effect. The currently available literature and clinical evidence are not sufficient to establish a definitive association between this variant and the reported condition. Therefore, this variant is classified as a variant of uncertain significance.

Labcorp Genetics (formerly Invitae), Labcorp
Classification: Uncertain significance for Polyglandular autoimmune syndrome, type 1. Last evaluated: 2024-10-30. Review status: criteria provided, single submitter. Criteria: Invitae Variant Classification Sherloc (09022015). Collection method: clinical testing. Allele origin: germline.
Comment: This sequence change replaces arginine, which is basic and polar, with tryptophan, which is neutral and slightly polar, at codon 316 of the AIRE protein (p.Arg316Trp). This variant is present in population databases (rs139874934, gnomAD 0.006%). This missense change has been observed in individual(s) with pernicious anemia (PMID: 26084028). ClinVar contains an entry for this variant (Variation ID: 2173395). Invitae Evidence Modeling of protein sequence and biophysical properties (such as structural, functional, and spatial information, amino acid conservation, physicochemical variation, residue mobility, and thermodynamic stability) indicates that this missense variant is expected to disrupt AIRE protein function with a positive predictive value of 95%. In summary, the available evidence is currently insufficient to determine the role of this variant in disease. Therefore, it has been classified as a Variant of Uncertain Significance.

Literature cited by the submitters: PubMed 26084028 (cited by Labcorp Genetics (formerly Invitae), Labcorp).